The following is an entry in ClinVar:

NM_000085.5(CLCNKB):c.1570G>A (p.Val524Ile)

Genes: CLCNKB (chloride voltage-gated channel Kb; plus strand), LOC106501713 (CLCNKB recombination region; plus strand). Cytogenetic location: 1p36.13.
Variant type: single nucleotide variant.
Coding change: c.1570G>A on transcript NM_000085.5 (MANE Select); coding-DNA position 1570, G replaced by A.
Protein change: p.Val524Ile; replaces valine 524 with isoleucine.
Molecular consequence: missense variant.
Genome position (GRCh38, 1-based): chr1:16,052,359, G>A. VCF-style: chr1-16052359-G-A. GRCh37 (hg19) VCF-style: chr1-16378854-G-A.
Other names: p.Val524Ile; c.1063G>A, p.Val355Ile (NM_001165945.2); short protein forms V524I, V355I.
Identifiers: ClinVar variation 791107 (VCV000791107.16), dbSNP rs114387880, ClinGen allele CA623923.

ClinVar aggregate classification (germline): Benign/Likely benign. Review status: criteria provided, multiple submitters, no conflicts (2 of 4 stars). 5 submissions from 5 submitters: Benign (1); Likely benign (4). Last evaluated 2026-01-28.

Conditions:
Bartter disease type 3. Also called: Bartter syndrome type 3. Identifiers: Orphanet 112, Orphanet 93605, MedGen C1846343, MONDO:0011822, OMIM 607364.
Bartter disease type 4B. Also called: BARTTER SYNDROME, TYPE 4B; BARTTER SYNDROME, TYPE 4B, NEONATAL, WITH SENSORINEURAL DEAFNESS; Bartter syndrome, type 4b, digenic. Identifiers: Orphanet 112, MedGen C4310805, MONDO:0000909, OMIM 613090.

Allele frequency attached by ClinVar (database versions not stated): gnomAD exomes 0.00409; ExAC 0.00531; gnomAD 0.01012 and 0.01060; TOPMed 0.01072; 1000 Genomes Project 0.01258; 1000 Genomes Project 30x 0.01452.
gnomAD v4.1: 5,873 of 1,610,794 alleles (0.36%); highest among the groups gnomAD compares: African/African-American, 3.2%; 63 homozygotes.

Submissions (5):

Labcorp Genetics (formerly Invitae), Labcorp
Classification: Benign. Last evaluated: 2026-01-28. Review status: criteria provided, single submitter. Criteria: Invitae Variant Classification Sherloc (09022015). Collection method: clinical testing. Allele origin: germline.

Mayo Clinic Laboratories, Mayo Clinic
Classification: Likely benign. Last evaluated: 2025-08-03. Review status: criteria provided, single submitter. Criteria: ACMG Guidelines, 2015. Collection method: clinical testing. Allele origin: germline. Observed: 6 variant alleles.
Comment: BS2, BP4

GeneDx
Classification: Likely benign. Last evaluated: 2024-06-20. Review status: criteria provided, single submitter. Criteria: GeneDx Variant Classification Process June 2021. Collection method: clinical testing. Allele origin: germline. Affected: yes.
Comment: See Variant Classification Assertion Criteria.

Fulgent Genetics
Classification: Likely benign for Bartter disease type 3; Bartter disease type 4B. Last evaluated: 2022-03-26. Review status: criteria provided, single submitter. Criteria: ACMG Guidelines, 2015. Collection method: clinical testing. Allele origin: unknown.

Breakthrough Genomics
Classification: Likely benign. Review status: criteria provided, single submitter. Criteria: ACMG Guidelines, 2015. Collection method: not provided. Allele origin: germline. Inheritance: Autosomal recessive inheritance. Affected: yes.

Literature cited by the submitters: PubMed 16306206 (cited by Mayo Clinic Laboratories, Mayo Clinic).